The following is an entry in ClinVar:

ClinVar aggregate classification (germline): Likely pathogenic (1 of 4 stars; one submission).

Conditions:
Juvenile onset Parkinson disease 19A. Also called: DNAJC6 Parkinson Disease; PARK19. Identifiers: Orphanet 391411, MedGen C3809811, MONDO:0014231, OMIM 615528.

Submission:

Labcorp Genetics (formerly Invitae), Labcorp
Classification: Likely pathogenic for Juvenile onset Parkinson disease 19A. Last evaluated: 2024-03-16. Review status: criteria provided, single submitter. Criteria: Invitae Variant Classification Sherloc (09022015). Collection method: clinical testing. Allele origin: germline.
Comment: This sequence change affects an acceptor splice site in intron 1 of the DNAJC6 gene. It is expected to disrupt RNA splicing. Variants that disrupt the donor or acceptor splice site typically lead to a loss of protein function (PMID: 16199547), and loss-of-function variants in DNAJC6 are known to be pathogenic (PMID: 22563501, 23211418, 26528954). This variant is not present in population databases (gnomAD no frequency). Disruption of this splice site has been observed in individual(s) with Parkinson disease (PMID: 32613234). Algorithms developed to predict the effect of sequence changes on RNA splicing suggest that this variant may disrupt the consensus splice site. In summary, the currently available evidence indicates that the variant is pathogenic, but additional data are needed to prove that conclusively. Therefore, this variant has been classified as Likely Pathogenic.

Literature cited by the submitters: PubMed 16199547; PubMed 22563501; PubMed 23211418; PubMed 26528954; PubMed 32613234.

NM_001256864.2(DNAJC6):c.194-1G>A

Gene: DNAJC6 (DnaJ heat shock protein family (Hsp40) member C6; plus strand). Cytogenetic location: 1p31.3.
Variant type: single nucleotide variant.
Coding change: c.194-1G>A on transcript NM_001256864.2 (MANE Select); the canonical splice acceptor site of the intron before coding-DNA position 194, G replaced by A.
Molecular consequence: splice acceptor variant.
Genome position (GRCh38, 1-based): chr1:65,364,634, G>A. VCF-style: chr1-65364634-G-A. GRCh37 (hg19) VCF-style: chr1-65830317-G-A.
Other names: c.-17-1G>A (NM_001256865.2); c.23-1G>A (NM_014787.4).
Identifiers: ClinVar variation 3646343 (VCV003646343.2).